The following is an entry in ClinVar:

ClinVar aggregate classification (germline): Uncertain significance (1 of 4 stars; one submission).

gnomAD v4.1: 3 of 1,550,942 alleles (0.00019%); highest among the groups gnomAD compares: South Asian, 0.0012%; no homozygotes.

Submission:

Greenwood Genetic Center Diagnostic Laboratories, Greenwood Genetic Center
Classification: Uncertain significance. Last evaluated: 2023-09-14. Review status: criteria provided, single submitter. Criteria: ACMG Guidelines, 2015. Collection method: clinical testing. Allele origin: germline. Affected: yes.
Comment: PM2

NM_020719.3(PRR12):c.2783C>T (p.Pro928Leu)

Gene: PRR12 (proline rich 12; plus strand). Cytogenetic location: 19q13.33.
Variant type: single nucleotide variant.
Coding change: c.2783C>T on transcript NM_020719.3 (MANE Select); coding-DNA position 2783, C replaced by T.
Protein change: p.Pro928Leu; replaces proline 928 with leucine.
Molecular consequence: missense variant.
Genome position (GRCh38, 1-based): chr19:49,597,118, C>T. VCF-style: chr19-49597118-C-T. GRCh37 (hg19) VCF-style: chr19-50100375-C-T.
Other names: short protein forms P928L.
Identifiers: ClinVar variation 2626944 (VCV002626944.1), dbSNP rs2080777133, ClinGen allele CA406876767.